The following is an entry in ClinVar:

ClinVar aggregate classification (germline): Uncertain significance (1 of 4 stars; one submission).

Conditions:
Spherocytosis. Identifiers: MedGen C0553720, HP:0004444.

Submission:

MVZ Dr. Eberhard & Partner Dortmund
Classification: Uncertain significance for Spherocytosis. Last evaluated: 2023-02-13. Review status: criteria provided, single submitter. Criteria: ACMG Guidelines, 2015. Collection method: clinical testing. Allele origin: unknown. Observed: 1 heterozygote.
Comment: This variant was absent from literature, variant databases and control databases. The computational evidence is inconclusive.

NM_000037.4(ANK1):c.3836T>G (p.Val1279Gly)

Gene: ANK1 (ankyrin 1; minus strand). Cytogenetic location: 8p11.21.
Variant type: single nucleotide variant.
Coding change: c.3836T>G on transcript NM_000037.4 (MANE Select); coding-DNA position 3836, T replaced by G.
Protein change: p.Val1279Gly; replaces valine 1279 with glycine.
Molecular consequence: missense variant.
Genome position (GRCh38, 1-based): chr8:41,692,670, A>C on the plus strand (T>G on the coding strand, the complement: ANK1 is on the minus strand). VCF-style: chr8-41692670-A-C. GRCh37 (hg19) VCF-style: chr8-41550188-A-C.
Other names: c.3959T>G, p.Val1320Gly (NM_001142446.2); c.3836T>G, p.Val1279Gly (NM_020475.3, NM_020476.3, NM_020477.3); short protein forms V1279G, V1320G.
Identifiers: ClinVar variation 2775402 (VCV002775402.2), dbSNP rs2486759750, ClinGen allele CA371058589.